The following is an entry in ClinVar:

ClinVar aggregate classification (germline): Likely benign. Review status: criteria provided, multiple submitters, no conflicts (2 of 4 stars). 5 submissions from 5 submitters: Likely benign (5). Last evaluated 2025-01-01.

Conditions:
Fabry disease. Also called: HEREDITARY DYSTOPIC LIPIDOSIS; Ceramide trihexosidosis; Fabry's disease; Angiokeratoma corporis diffusum; ALPHA-GALACTOSIDASE A DEFICIENCY; ANDERSON-FABRY DISEASE. Identifiers: Orphanet 324, MedGen C0002986, MONDO:0010526, OMIM 301500, HP:0001071. Disease mechanism: Fabry disease is due to inactivating mutations in the X-linked GLA gene resulting in deficiency of the enzyme Alpha Galactosidase-A., loss of function.

Allele frequency attached by ClinVar (database versions not stated): gnomAD 0.00001; gnomAD exomes 0.00001.
gnomAD v4.1: 10 of 1,208,743 alleles (0.00083%); highest among the groups gnomAD compares: African/African-American, 0.0035%; no homozygotes.

Submissions (5):

Labcorp Genetics (formerly Invitae), Labcorp
Classification: Likely benign for Fabry disease. Last evaluated: 2025-01-01. Review status: criteria provided, single submitter. Criteria: Invitae Variant Classification Sherloc (09022015). Collection method: clinical testing. Allele origin: germline.

All of Us Research Program, National Institutes of Health
Classification: Likely benign for Fabry disease. Last evaluated: 2023-07-10. Review status: criteria provided, single submitter. Criteria: ACMG Guidelines, 2015. Collection method: clinical testing. Allele origin: germline. Inheritance: X-linked inheritance. Observed: 1 variant allele, 1 heterozygote.
Comment: This study involves interpretation of variants in research participants for the purpose of population health screening. Participant phenotype was not available at the time of variant classification. Additional details can be found in publication PMID: 35346344, PMCID: PMC8962531

Color Diagnostics, LLC DBA Color Health
Classification: Likely benign for Fabry disease. Last evaluated: 2022-11-06. Review status: criteria provided, single submitter. Criteria: ACMG Guidelines, 2015. Collection method: clinical testing. Allele origin: germline.

Fulgent Genetics
Classification: Likely benign for Fabry disease. Last evaluated: 2022-01-25. Review status: criteria provided, single submitter. Criteria: ACMG Guidelines, 2015. Collection method: clinical testing. Allele origin: unknown.

PreventionGenetics, part of Exact Sciences
Classification: Likely benign. Review status: criteria provided, single submitter. Criteria: ACMG Guidelines, 2015. Collection method: clinical testing. Allele origin: germline.

NM_000169.3(GLA):c.1095T>C (p.Tyr365=)

Genes: RPL36A-HNRNPH2 (RPL36A-HNRNPH2 readthrough; plus strand), GLA (galactosidase alpha; minus strand). Cytogenetic location: Xq22.1.
Variant type: single nucleotide variant.
Coding change: c.1095T>C on transcript NM_000169.3 (MANE Select); coding-DNA position 1095, T replaced by C.
Protein change: p.Tyr365=; no amino-acid change (tyrosine 365 retained).
Molecular consequence: synonymous variant. On other transcripts: non-coding transcript variant (3), intron variant (2).
Genome position (GRCh38, 1-based): chrX:101,398,004, A>G on the plus strand (T>C on the coding strand, the complement: GLA is on the minus strand). VCF-style: chrX-101398004-A-G. GRCh37 (hg19) VCF-style: chrX-100652992-A-G.
Other names: c.1218T>C, p.Tyr406= (NM_001406747.1); c.300+2547A>G (NM_001199973.2); c.177+6182A>G (NM_001199974.2).
Identifiers: ClinVar variation 222143 (VCV000222143.16), dbSNP rs104894849, ClinGen allele CA352267.